The following is an entry in ClinVar:

ClinVar aggregate classification (germline): Uncertain significance. Review status: criteria provided, multiple submitters, no conflicts (2 of 4 stars). 2 submissions from 2 submitters: Uncertain significance (2). Last evaluated 2026-06-20.

Conditions:
Asphyxiating thoracic dystrophy 3. Also called: POLYDACTYLY WITH NEONATAL CHONDRODYSTROPHY, TYPE I; SHORT-RIB THORACIC DYSPLASIA 3/6 WITH POLYDACTYLY, DIGENIC; SHORT-RIB THORACIC DYSPLASIA 3 WITH OR WITHOUT POLYDACTYLY; Short rib polydactyly syndrome 2B; Saldino-Noonan Syndrome. Identifiers: Orphanet 474, Orphanet 93269, Orphanet 93270, Orphanet 93271, MedGen C0036069, MONDO:0013127, OMIM 613091.
Jeune thoracic dystrophy. Also called: Jeune syndrome; Infantile thoracic dystrophy; Thoracic pelvic phalangeal dystrophy; Jeune's syndrome; Chondroectodermal dysplasia-like syndrome; Short-rib thoracic dysplasia. Identifiers: Orphanet 474, MedGen C0265275, MONDO:0018770.

Allele frequency attached by ClinVar (database versions not stated): gnomAD 0.00001; TOPMed 0.00002; 1000 Genomes Project 0.00020; 1000 Genomes Project 30x 0.00031.
gnomAD v4.1: 8 of 1,607,718 alleles (0.0005%); highest among the groups gnomAD compares: Non-Finnish European, 0.00068%; no homozygotes.

Submissions (2):

Myriad Genetics, Inc.
Classification: Uncertain significance for Asphyxiating thoracic dystrophy 3. Last evaluated: 2026-06-20. Review status: criteria provided, single submitter. Criteria: Myriad Autosomal Dominant, Autosomal Recessive and X-Linked Classification Criteria (2023). Collection method: clinical testing. Allele origin: unknown.
Comment: NM_001377.2(DYNC2H1):c.12924G>C(*4308Yext*29) is a stop-loss variant classified as a variant of uncertain significance in the context of DYNC2H1-related disorders. *4308Yext*29 has not been observed in cases with relevant disease. Relevant functional assessments of this variant are not available in the literature. *4308Yext*29 has been observed in referenced population frequency databases. In summary, there is insufficient evidence to classify NM_001377.2(DYNC2H1):c.12924G>C(*4308Yext*29) as pathogenic or benign. Please note: this variant was assessed in the context of healthy population screening.

Labcorp Genetics (formerly Invitae), Labcorp
Classification: Uncertain significance for Jeune thoracic dystrophy. Last evaluated: 2022-08-23. Review status: criteria provided, single submitter. Criteria: Invitae Variant Classification Sherloc (09022015). Collection method: clinical testing. Allele origin: germline.
Comment: This sequence change disrupts the translational stop signal of the DYNC2H1 mRNA. It is expected to extend the length of the DYNC2H1 protein by 29 additional amino acid residues. This variant is present in population databases (rs199566086, gnomAD 0.003%). This variant has not been reported in the literature in individuals affected with DYNC2H1-related conditions. ClinVar contains an entry for this variant (Variation ID: 1398293). In summary, the available evidence is currently insufficient to determine the role of this variant in disease. Therefore, it has been classified as a Variant of Uncertain Significance.

NM_001377.3(DYNC2H1):c.12924G>C (p.Ter4308Tyr)

Gene: DYNC2H1 (dynein cytoplasmic 2 heavy chain 1; plus strand). Cytogenetic location: 11q22.3.
Variant type: single nucleotide variant.
Coding change: c.12924G>C on transcript NM_001377.3 (MANE Select); coding-DNA position 12924, G replaced by C.
Protein change: p.Ter4308Tyr.
Molecular consequence: stop lost.
Genome position (GRCh38, 1-based): chr11:103,479,253, G>C. VCF-style: chr11-103479253-G-C. GRCh37 (hg19) VCF-style: chr11-103349981-G-C.
Other names: c.12945G>C, p.Ter4315Tyr (NM_001080463.2).
Identifiers: ClinVar variation 1398293 (VCV001398293.4), dbSNP rs199566086, ClinGen allele CA6255718.